The following is an entry in ClinVar:

NM_003716.4(CADPS):c.1737C>T (p.Tyr579=)

Gene: CADPS (calcium dependent secretion activator; minus strand). Cytogenetic location: 3p14.2.
Variant type: single nucleotide variant.
Coding change: c.1737C>T on transcript NM_003716.4 (MANE Select); coding-DNA position 1737, C replaced by T.
Protein change: p.Tyr579=; no amino-acid change (tyrosine 579 retained).
Molecular consequence: synonymous variant.
Genome position (GRCh38, 1-based): chr3:62,557,421, G>A on the plus strand (C>T on the coding strand, the complement: CADPS is on the minus strand). VCF-style: chr3-62557421-G-A. GRCh37 (hg19) VCF-style: chr3-62543096-G-A.
Other names: c.1737C>T, p.Tyr579= (NM_183393.3, NM_183394.3).
Identifiers: ClinVar variation 746599 (VCV000746599.6), dbSNP rs76254845, ClinGen allele CA2476924.
Genomic context (GRCh38, chr3:62,557,421, plus strand): 5'-GGTTGAGGGTTTGTGGGCTCGTGGCCTTGAGGGTCGGTGGGTACCTGGCTGGGGGTCGGT[G>A]TAATCCACAGTGTAGCCATCCAATTGTAGAAGTTCCTGAGGCTCCGCTTTCTTCTCCCGA-3'
Protein context (NP_003707.2, residues 569-589): LLQLDGYTVD[Tyr579=]TDPQPGLEGG

ClinVar aggregate classification (germline): Benign. Review status: criteria provided, multiple submitters, no conflicts (2 of 4 stars). 3 submissions from 3 submitters: Benign (2). 1 of the submissions does not count toward it. Last evaluated 2018-04-16.

Conditions:
CADPS-related disorder. Also called: CADPS-related condition.

Allele frequency attached by ClinVar (database versions not stated): gnomAD exomes 0.00020 and 0.00054; ExAC 0.00074; 1000 Genomes Project 0.00160; 1000 Genomes Project 30x 0.00219; gnomAD 0.00225 and 0.00245; TOPMed 0.00247; ESP Exome Variant Server 0.00308.
gnomAD v4.1: 661 of 1,613,512 alleles (0.041%); highest among the groups gnomAD compares: African/African-American, 0.76%; 3 homozygotes.

Submissions (3):

Labcorp Genetics (formerly Invitae), Labcorp
Classification: Benign. Last evaluated: 2018-04-16. Review status: criteria provided, single submitter. Criteria: Invitae Variant Classification Sherloc (09022015). Collection method: clinical testing. Allele origin: germline.

Breakthrough Genomics
Classification: Benign. Review status: criteria provided, single submitter. Criteria: ACMG Guidelines, 2015. Collection method: not provided. Allele origin: germline. Inheritance: Unknown mechanism. Affected: yes.

PreventionGenetics, part of Exact Sciences
Classification: Benign for CADPS-related condition. Last evaluated: 2019-10-16. Review status: no assertion criteria provided. Collection method: clinical testing. Allele origin: germline. Not counted in ClinVar's aggregate classification.
Comment: This variant is classified as benign based on ACMG/AMP sequence variant interpretation guidelines (Richards et al. 2015 PMID: 25741868, with internal and published modifications).